The following is an entry in ClinVar:

NM_017654.4(SAMD9):c.82A>C (p.Ile28Leu)

Gene: SAMD9 (sterile alpha motif domain containing 9; minus strand). Cytogenetic location: 7q21.2.
Variant type: single nucleotide variant.
Coding change: c.82A>C on transcript NM_017654.4 (MANE Select); coding-DNA position 82, A replaced by C.
Protein change: p.Ile28Leu; replaces isoleucine 28 with leucine.
Molecular consequence: missense variant.
Genome position (GRCh38, 1-based): chr7:93,106,016, T>G on the plus strand (A>C on the coding strand, the complement: SAMD9 is on the minus strand). VCF-style: chr7-93106016-T-G. GRCh37 (hg19) VCF-style: chr7-92735329-T-G.
Other names: c.82A>C, p.Ile28Leu (NM_001193307.2); short protein forms I28L.
Identifiers: ClinVar variation 3949663 (VCV003949663.1).

ClinVar aggregate classification (germline): Uncertain significance (1 of 4 stars; one submission).

Conditions:
Inborn genetic diseases. Identifiers: MedGen C0950123, MeSH D030342.

gnomAD v4.1: 2 of 1,594,942 alleles (0.00013%); highest among the groups gnomAD compares: African/African-American, 0.0027%; no homozygotes.

Submission:

Ambry Genetics
Classification: Uncertain significance for Inborn genetic diseases. Last evaluated: 2025-05-23. Review status: criteria provided, single submitter. Criteria: Ambry Variant Classification Scheme 2023. Collection method: clinical testing. Allele origin: germline.
Comment: The p.I28L variant (also known as c.82A>C), located in coding exon 1 of the SAMD9 gene, results from an A to C substitution at nucleotide position 82. The isoleucine at codon 28 is replaced by leucine, an amino acid with highly similar properties. This amino acid position is conserved. In addition, this alteration is predicted to be tolerated by in silico analysis. Based on the available evidence, the clinical significance of this variant remains unclear.